The following is an entry in ClinVar:

ClinVar aggregate classification (germline): Uncertain significance (1 of 4 stars; one submission).

Submission:

Labcorp Genetics (formerly Invitae), Labcorp
Classification: Uncertain significance. Last evaluated: 2019-09-23. Review status: criteria provided, single submitter. Criteria: Invitae Variant Classification Sherloc (09022015). Collection method: clinical testing. Allele origin: germline.
Comment: This sequence change falls in intron 7 of the RNF43 gene. It does not directly change the encoded amino acid sequence of the RNF43 protein, but it affects a nucleotide within the consensus splice site of the intron. In summary, the available evidence is currently insufficient to determine the role of this variant in disease. Therefore, it has been classified as a Variant of Uncertain Significance. Nucleotide substitutions within the consensus splice site are a relatively common cause of aberrant splicing (PMID: 17576681, 9536098). Algorithms developed to predict the effect of sequence changes on RNA splicing suggest that this variant may disrupt the consensus splice site, but this prediction has not been confirmed by published transcriptional studies. This variant has not been reported in the literature in individuals with RNF43-related conditions. This variant is not present in population databases (ExAC no frequency).

Literature cited by the submitters: PubMed 17576681; PubMed 9536098.

NM_017763.6(RNF43):c.849+3_849+4del

Gene: RNF43 (ring finger protein 43; minus strand). Cytogenetic location: 17q22.
Variant type: Deletion.
Coding change: c.849+3_849+4del on transcript NM_017763.6 (MANE Select); bases 3 to 4 of the intron after coding-DNA position 849, 2 bases deleted (AA; older notation c.849+3_849+4delAA).
Molecular consequence: intron variant.
Genome position (GRCh38, 1-based): chr17:58,360,779-58,360,780, TT deleted on the plus strand (AA on the coding strand, the reverse complement: RNF43 is on the minus strand). VCF-style (leftmost placement, unchanged base first): chr17-58360778-CTT-C. GRCh37 (hg19) VCF-style: chr17-56438139-CTT-C.
Other names: c.849+3_849+4del (NM_001438822.1, NM_001305544.3, NM_001438820.1 and 1 more transcripts); c.468+3_468+4del (NM_001305545.2, NM_001437987.1).
Identifiers: ClinVar variation 935429 (VCV000935429.9), dbSNP rs1972818614, ClinGen allele CA1139665731.